The following is an entry in ClinVar:

NM_024589.3(ROGDI):c.489C>T (p.Pro163=)

Gene: ROGDI (rogdi atypical leucine zipper; minus strand). Cytogenetic location: 16p13.3.
Variant type: single nucleotide variant.
Coding change: c.489C>T on transcript NM_024589.3 (MANE Select); coding-DNA position 489, C replaced by T.
Protein change: p.Pro163=; no amino-acid change (proline 163 retained).
Molecular consequence: synonymous variant. On other transcripts: non-coding transcript variant (1).
Genome position (GRCh38, 1-based): chr16:4,798,611, G>A on the plus strand (C>T on the coding strand, the complement: ROGDI is on the minus strand). VCF-style: chr16-4798611-G-A. GRCh37 (hg19) VCF-style: chr16-4848612-G-A.
Identifiers: ClinVar variation 416252 (VCV000416252.36), dbSNP rs113245789, ClinGen allele CA7882692.

ClinVar aggregate classification (germline): Benign/Likely benign. Review status: criteria provided, multiple submitters, no conflicts (2 of 4 stars). 3 submissions from 3 submitters: Benign (1); Likely benign (1). 1 of the submissions does not count toward it. Last evaluated 2026-01-26.

Conditions:
ROGDI-related disorder. Also called: ROGDI-related condition.
Amelocerebrohypohidrotic syndrome (KTZS). Also called: KOHLSCHUTTER SYNDROME; Kohlschutter's syndrome; EPILEPSY AND YELLOW TEETH; EPILEPSY, DEMENTIA, AND AMELOGENESIS IMPERFECTA. Identifiers: Orphanet 1946, MedGen C0406740, MONDO:0009185, OMIM 226750.

Allele frequency attached by ClinVar (database versions not stated): gnomAD exomes 0.00006 and 0.00019; 1000 Genomes Project 30x 0.00031; 1000 Genomes Project 0.00040; gnomAD 0.00056; TOPMed 0.00061; ExAC 0.00063; ESP Exome Variant Server 0.00116.
gnomAD v4.1: 174 of 1,575,204 alleles (0.011%); highest among the groups gnomAD compares: African/African-American, 0.18%; no homozygotes.

Submissions (3):

Labcorp Genetics (formerly Invitae), Labcorp
Classification: Benign for Amelocerebrohypohidrotic syndrome. Last evaluated: 2026-01-26. Review status: criteria provided, single submitter. Criteria: Invitae Variant Classification Sherloc (09022015). Collection method: clinical testing. Allele origin: germline.

CeGaT Center for Human Genetics Tuebingen
Classification: Likely benign. Last evaluated: 2023-04-01. Review status: criteria provided, single submitter. Criteria: CeGaT Center For Human Genetics Tuebingen Variant Classification Criteria Version 2. Collection method: clinical testing. Allele origin: germline. Affected: yes. Observed: 2 variant alleles.
Comment: ROGDI: BP4, BP7

PreventionGenetics, part of Exact Sciences
Classification: Likely benign for ROGDI-related condition. Last evaluated: 2019-10-14. Review status: no assertion criteria provided. Collection method: clinical testing. Allele origin: germline. Not counted in ClinVar's aggregate classification.
Comment: This variant is classified as likely benign based on ACMG/AMP sequence variant interpretation guidelines (Richards et al. 2015 PMID: 25741868, with internal and published modifications).